The following is an entry in ClinVar:

ClinVar aggregate classification (germline): Uncertain significance (1 of 4 stars; one submission).

Submission:

Labcorp Genetics (formerly Invitae), Labcorp
Classification: Uncertain significance. Last evaluated: 2022-11-01. Review status: criteria provided, single submitter. Criteria: Invitae Variant Classification Sherloc (09022015). Collection method: clinical testing. Allele origin: germline.
Comment: Algorithms developed to predict the effect of missense changes on protein structure and function (SIFT, PolyPhen-2, Align-GVGD) all suggest that this variant is likely to be disruptive. This variant has not been reported in the literature in individuals affected with CCT2-related conditions. This variant is not present in population databases (gnomAD no frequency). This sequence change replaces proline, which is neutral and non-polar, with threonine, which is neutral and polar, at codon 447 of the CCT2 protein (p.Pro447Thr). In summary, the available evidence is currently insufficient to determine the role of this variant in disease. Therefore, it has been classified as a Variant of Uncertain Significance.

NM_006431.3(CCT2):c.1339C>A (p.Pro447Thr)

Gene: CCT2 (chaperonin containing TCP1 subunit 2; plus strand). Cytogenetic location: 12q15.
Variant type: single nucleotide variant.
Coding change: c.1339C>A on transcript NM_006431.3 (MANE Select); coding-DNA position 1339, C replaced by A.
Protein change: p.Pro447Thr; replaces proline 447 with threonine.
Molecular consequence: missense variant.
Genome position (GRCh38, 1-based): chr12:69,598,325, C>A. VCF-style: chr12-69598325-C-A. GRCh37 (hg19) VCF-style: chr12-69992105-C-A.
Other names: c.1198C>A, p.Pro400Thr (NM_001198842.2); short protein forms P447T, P400T.
Identifiers: ClinVar variation 2086050 (VCV002086050.4), dbSNP rs2499012363, ClinGen allele CA385731139.